The following is an entry in ClinVar:

NM_006000.3(TUBA4A):c.996T>C (p.Ile332=)

Gene: TUBA4A (tubulin alpha 4a; minus strand). Cytogenetic location: 2q35.
Variant type: single nucleotide variant.
Coding change: c.996T>C on transcript NM_006000.3 (MANE Select); coding-DNA position 996, T replaced by C.
Protein change: p.Ile332=; no amino-acid change (isoleucine 332 retained).
Molecular consequence: synonymous variant.
Genome position (GRCh38, 1-based): chr2:219,250,703, A>G on the plus strand (T>C on the coding strand, the complement: TUBA4A is on the minus strand). VCF-style: chr2-219250703-A-G. GRCh37 (hg19) VCF-style: chr2-220115425-A-G.
Other names: c.951T>C, p.Ile317= (NM_001278552.2).
Identifiers: ClinVar variation 3031318 (VCV003031318.2), dbSNP rs2544993641, ClinGen allele CA431426250.

ClinVar aggregate classification (germline): Likely benign (0 of 4 stars; one submission).

Conditions:
TUBA4A-related disorder. Also called: TUBA4A-related condition.

Allele frequency attached by ClinVar (database versions not stated): gnomAD exomes below 0.00001.

Submission:

PreventionGenetics, part of Exact Sciences
Classification: Likely benign for TUBA4A-related condition. Last evaluated: 2023-10-03. Review status: no assertion criteria provided. Collection method: clinical testing. Allele origin: germline.
Comment: This variant is classified as likely benign based on ACMG/AMP sequence variant interpretation guidelines (Richards et al. 2015 PMID: 25741868, with internal and published modifications).